The following is an entry in ClinVar:

ClinVar aggregate classification (germline): Uncertain significance (1 of 4 stars; one submission).

Conditions:
Familial thoracic aortic aneurysm and aortic dissection (TAAD). Also called: Thoracic aortic aneurysms and dissections. Identifiers: Orphanet 91387, MedGen C4707243, MONDO:0019625.

Submission:

Color Diagnostics, LLC DBA Color Health
Classification: Uncertain significance for Familial thoracic aortic aneurysm and aortic dissection. Last evaluated: 2025-08-14. Review status: criteria provided, single submitter. Criteria: ACMG Guidelines, 2015. Collection method: clinical testing. Allele origin: germline.
Comment: This missense variant replaces asparagine with aspartic acid at codon 1173 of the FBN1 protein. Computational prediction suggests that this variant may have deleterious impact on protein structure and function. To our knowledge, functional studies have not been reported for this variant. This variant has not been reported in individuals affected with FBN1-related disorders in the literature. This variant has not been identified in the general population by the Genome Aggregation Database (gnomAD). The available evidence is insufficient to determine the role of this variant in disease conclusively. Therefore, this variant is classified as a Variant of Uncertain Significance.

NM_000138.5(FBN1):c.3517A>G (p.Asn1173Asp)

Gene: FBN1 (fibrillin 1; minus strand). Cytogenetic location: 15q21.1.
Variant type: single nucleotide variant.
Coding change: c.3517A>G on transcript NM_000138.5 (MANE Select); coding-DNA position 3517, A replaced by G.
Protein change: p.Asn1173Asp; replaces asparagine 1173 with aspartic acid.
Molecular consequence: missense variant.
Genome position (GRCh38, 1-based): chr15:48,487,147, T>C on the plus strand (A>G on the coding strand, the complement: FBN1 is on the minus strand). VCF-style: chr15-48487147-T-C. GRCh37 (hg19) VCF-style: chr15-48779344-T-C.
Other names: c.3517A>G, p.Asn1173Asp (NM_001406716.1); short protein forms N1173D.
Identifiers: ClinVar variation 4757826 (VCV004757826.1).